The following is an entry in ClinVar:

NM_001127701.1(SERPINA1):c.710T>C (p.Val237Ala)

Gene: SERPINA1 (serpin family A member 1; minus strand). Cytogenetic location: 14q32.13.
Variant type: single nucleotide variant.
Coding change: c.710T>C on transcript NM_001127701.1; coding-DNA position 710, T replaced by C.
Protein change: p.Val237Ala; replaces valine 237 with alanine.
Molecular consequence: missense variant (on NM_000295.5).
Genome position (GRCh38, 1-based): chr14:94,381,078, A>G on the plus strand (T>C on the coding strand, the complement: SERPINA1 is on the minus strand). VCF-style: chr14-94381078-A-G. GRCh37 (hg19) VCF-style: chr14-94847415-A-G.
Other names: PI, M1A; c.710T>C, p.Val237Ala (NM_000295.5, NM_001002235.3, NM_001002236.3 and 8 more transcripts); short protein forms V237A.
Identifiers: ClinVar variation 17955 (VCV000017955.34), dbSNP rs6647, ClinGen allele CA127617.

ClinVar aggregate classification (germline): Benign/Likely benign. Review status: criteria provided, multiple submitters, no conflicts (2 of 4 stars). 16 submissions from 15 submitters: Benign (8); Likely benign (2). 6 of the submissions do not count toward it. Last evaluated 2026-02-04.

Conditions:
Inborn genetic diseases. Identifiers: MedGen C0950123, MeSH D030342.
Alpha-1-antitrypsin deficiency (A1ATD). Also called: AAT deficiency; A1AT deficiency; Alpha1-Antitrypsin Deficiency. Identifiers: Orphanet 60, MedGen C0221757, MONDO:0013282, OMIM 613490.
PI M1-ALA213. Also called: PI M1-VAL213.
PI, M1A.

Allele frequency attached by ClinVar (database versions not stated): gnomAD exomes 0.20954; ExAC 0.22145; 1000 Genomes Project 0.24940; 1000 Genomes Project 30x 0.25999; TOPMed 0.29907; gnomAD 0.29917 and 0.31278.
gnomAD v4.1: 360,129 of 1,609,248 alleles (22%); highest among the groups gnomAD compares: African/African-American, 56%; 47,211 homozygotes.

Submissions (16):

Labcorp Genetics (formerly Invitae), Labcorp
Classification: Benign for Alpha-1-antitrypsin deficiency. Last evaluated: 2026-02-04. Review status: criteria provided, single submitter. Criteria: Invitae Variant Classification Sherloc (09022015). Collection method: clinical testing. Allele origin: germline.

Mayo Clinic Laboratories, Mayo Clinic
Classification: Benign. Last evaluated: 2025-03-22. Review status: criteria provided, single submitter. Criteria: ACMG Guidelines, 2015. Collection method: clinical testing. Allele origin: germline. Observed: 226 variant alleles.
Comment: BA1

Blueprint Genetics
Classification: Likely benign. Last evaluated: 2024-11-27. Review status: criteria provided, single submitter. Criteria: ACMG Guidelines, 2015. Collection method: clinical testing. Allele origin: germline.

Women's Health and Genetics/Laboratory Corporation of America, LabCorp
Classification: Likely benign. Last evaluated: 2023-07-03. Review status: criteria provided, single submitter. Criteria: LabCorp Variant Classification Summary - May 2015. Collection method: clinical testing. Allele origin: germline.

Illumina Laboratory Services, Illumina
Classification: Benign for Alpha-1-antitrypsin deficiency. Last evaluated: 2018-01-12. Review status: criteria provided, single submitter. Criteria: ICSL Variant Classification Criteria 13 December 2019. Collection method: clinical testing. Allele origin: germline.
Comment: This variant was observed in the ICSL laboratory as part of a predisposition screen in an ostensibly healthy population. It had not been previously curated by ICSL or reported in the Human Gene Mutation Database (HGMD: prior to June 1st, 2018), and was therefore a candidate for classification through an automated scoring system. Utilizing variant allele frequency, disease prevalence and penetrance estimates, and inheritance mode, an automated score was calculated to assess if this variant is too frequent to cause the disease. Based on the score and internal cut-off values, a variant classified as benign is not then subjected to further curation. The score for this variant resulted in a classification of benign for this disease.

Eurofins Ntd Llc (ga)
Classification: Benign. Last evaluated: 2015-10-09. Review status: criteria provided, single submitter. Criteria: EGL Classification Definitions 2015. Collection method: clinical testing. Allele origin: germline. Observed: 4 variant alleles, 3 heterozygotes, 1 homozygote.

Ambry Genetics
Classification: Benign for Inborn genetic diseases. Last evaluated: 2014-09-30. Review status: criteria provided, single submitter. Criteria: Ambry Variant Classification Scheme 2023. Collection method: clinical testing. Allele origin: germline.

Laboratory for Molecular Medicine, Mass General Brigham Personalized Medicine
Classification: Benign. Last evaluated: 2013-06-13. Review status: criteria provided, single submitter. Criteria: LMM Criteria. Collection method: clinical testing. Allele origin: germline. Observed: 30 variant alleles.
Comment: Benign based on MAF. See note for OMIM entry (which is responsible for the "wit h pathogenic allele" association in dbSNP)

Breakthrough Genomics
Classification: Benign. Review status: criteria provided, single submitter. Criteria: ACMG Guidelines, 2015. Collection method: not provided. Allele origin: germline. Inheritance: Autosomal recessive inheritance. Affected: yes.

PreventionGenetics, part of Exact Sciences
Classification: Benign. Review status: criteria provided, single submitter. Criteria: ACMG Guidelines, 2015. Collection method: clinical testing. Allele origin: germline.

OMIM
Classification: Benign for PI M1-ALA213. Last evaluated: 2016-07-15. Review status: no assertion criteria provided. Collection method: literature only. Allele origin: germline. Not counted in ClinVar's aggregate classification.

OMIM
Classification: Benign for PI, M1A. Last evaluated: 2016-07-15. Review status: no assertion criteria provided. Collection method: literature only. Allele origin: germline. Not counted in ClinVar's aggregate classification.

Department of Laboratory Medicine and Genetics, Trillium Health Partners Credit Valley Hospital
Classification: Benign for Alpha-1-antitrypsin deficiency. Last evaluated: 2014-12-08. Review status: no assertion criteria provided. Collection method: curation. Allele origin: germline. Affected: no. Not counted in ClinVar's aggregate classification.
Comment: Common normal allele

Clinical Genetics DNA and cytogenetics Diagnostics Lab, Erasmus MC, Erasmus Medical Center
Classification: Benign. Review status: no assertion criteria provided. Collection method: clinical testing. Allele origin: germline. Affected: yes. Study: VKGL Data-share Consensus. Not counted in ClinVar's aggregate classification.

Diagnostic Laboratory, Department of Genetics, University Medical Center Groningen
Classification: Benign. Review status: no assertion criteria provided. Collection method: clinical testing. Allele origin: germline. Affected: yes. Study: VKGL Data-share Consensus. Not counted in ClinVar's aggregate classification.

Genome Diagnostics Laboratory, University Medical Center Utrecht
Classification: Likely benign. Review status: no assertion criteria provided. Collection method: clinical testing. Allele origin: germline. Affected: yes. Study: VKGL Data-share Consensus. Not counted in ClinVar's aggregate classification.

Literature cited by the submitters: PubMed 2696185 (cited by 3 submitters); PubMed 3491072 (cited by Ambry Genetics).